The following is an entry in ClinVar:

NM_001267550.2(TTN):c.4724_4728del (p.Met1575fs)

Genes: TTN (titin; minus strand), LOC101927055 (uncharacterized LOC101927055; plus strand). Cytogenetic location: 2q31.2.
Variant type: Microsatellite.
Coding change: c.4724_4728del on transcript NM_001267550.2 (MANE Select); coding-DNA positions 4724 to 4728, 5 bases deleted (TGAAA; older notation c.4724_4728delTGAAA).
Protein change: p.Met1575fs; shifts the reading frame from methionine 1575.
Molecular consequence: frameshift variant. On other transcripts: non-coding transcript variant (1).
Genome position (GRCh38, 1-based): chr2:178,777,235-178,777,239, TTTCA deleted on the plus strand (TGAAA on the coding strand, the reverse complement: TTN is on the minus strand); deleting any 5 consecutive bases within chr2:178,777,235-178,777,244 gives the same sequence; the c. name uses the placement nearest the transcript's 3' end. VCF-style (leftmost placement, unchanged base first): chr2-178777234-CTTTCA-C. GRCh37 (hg19) VCF-style: chr2-179641961-CTTTCA-C.
Other names: c.4724_4728delTGAAA (LRG_391t1, NM_001267550.1, NM_001256850.1 and 2 more transcripts); c.4724_4728del, p.Met1575fs (NM_001256850.1, NM_133378.4, NM_133379.5); c.4586_4590del, p.Met1529fs (NM_003319.4, NM_133432.3, NM_133437.4); c.4724_4728del5 (NM_001267550.2); c.4586_4590delTGAAA (NM_003319.4); c.4724_4728del (NM_001267550.1); short protein forms M1529fs, M1575fs.
Identifiers: ClinVar variation 202501 (VCV000202501.63), dbSNP rs756433029, ClinGen allele CA309465.

ClinVar aggregate classification (germline): Pathogenic/Likely pathogenic. Review status: criteria provided, multiple submitters, no conflicts (2 of 4 stars). 21 submissions from 16 submitters: Pathogenic (2); Likely pathogenic (17). 2 of the submissions do not count toward it. Last evaluated 2026-01-13.

Conditions:
TTN-related disorder. Also called: TTN-related condition; TTN-related disease; TTN-related disorders.
Autosomal recessive titinopathy. Identifiers: MedGen CN315649, MONDO:0100493.
Cardiovascular phenotype. Identifiers: MedGen CN230736.
Autosomal recessive limb-girdle muscular dystrophy type 2J (LGMDR10). Also called: Limb-girdle muscular dystrophy, type 2J; MUSCULAR DYSTROPHY, LIMB-GIRDLE, AUTOSOMAL RECESSIVE 10. Identifiers: Orphanet 140922, MedGen C1837342, MONDO:0012127, OMIM 608807.
Dilated cardiomyopathy 1G (CMD1G). Identifiers: Orphanet 154, MedGen C1858763, MONDO:0011400, OMIM 604145.
Cardiomyopathy (CMYO). Also called: Cardiomyopathies. Identifiers: Orphanet 167848, MedGen C0878544, MONDO:0004994, HP:0001638. Inheritance: Various modes of inheritance.
Myopathy, myofibrillar, 9, with early respiratory failure (MFM9). Also called: EDSTROM MYOPATHY; MYOPATHY, PROXIMAL, WITH EARLY RESPIRATORY MUSCLE INVOLVEMENT; Myopathy, distal, with early respiratory failure, autosomal dominant; Hereditary myopathy with early respiratory failure. Identifiers: Orphanet 178464, Orphanet 34521, MedGen C1863599, MONDO:0011362, OMIM 603689.
Early-onset myopathy with fatal cardiomyopathy (CMYO5). Also called: Salih Myopathy; CONGENITAL MYOPATHY 5 WITH CARDIOMYOPATHY. Identifiers: Orphanet 289377, MedGen C2673677, MONDO:0012714, OMIM 611705. Disease mechanism: loss of function.
Primary dilated cardiomyopathy (DCM). Also called: Dilated Cardiomyopathy. Identifiers: Orphanet 217604, MedGen C0007193, MeSH D002311, MONDO:0005021, HP:0001644. Inheritance: Various modes of inheritance.
Hypertrophic cardiomyopathy 9. Also called: Familial hypertrophic cardiomyopathy 9. Identifiers: MedGen C1861065, MONDO:0013412, OMIM 613765.
Tibial muscular dystrophy (TMD). Also called: Tibial muscular dystrophy, tardive; UDD MYOPATHY; Udd Distal Myopathy – Tibial Muscular Dystrophy. Identifiers: Orphanet 609, MedGen C1838244, MONDO:0010870, OMIM 600334.
Left ventricular noncompaction cardiomyopathy. Also called: left ventricular non-compaction cardiomyopathy. Identifiers: MedGen C4021133, HP:0011664.

Submissions 1 to 4 of 21:

Labcorp Genetics (formerly Invitae), Labcorp
Classification: Pathogenic for Dilated cardiomyopathy 1G; Autosomal recessive limb-girdle muscular dystrophy type 2J. Last evaluated: 2026-01-13. Review status: criteria provided, single submitter. Criteria: Invitae Variant Classification Sherloc (09022015). Collection method: clinical testing. Allele origin: germline.
Comment: This sequence change creates a premature translational stop signal (p.Met1575Serfs*6) in the TTN gene. While this is not anticipated to result in nonsense mediated decay, it is expected to create a truncated TTN protein. This variant is present in population databases (rs756433029, gnomAD 0.002%). This premature translational stop signal has been observed in individual(s) with centronuclear myopathy and/or dilated cardiomyopathy (PMID: 25589632, 30535219, 31112426, 31983221, 33449170; internal data). In at least one individual the data is consistent with being in trans (on the opposite chromosome) from a pathogenic variant. ClinVar contains an entry for this variant (Variation ID: 202501). This variant is located in the Z band of TTN (PMID: 25589632). Truncating variants in this region have been reported in individuals affected with autosomal recessive centronuclear myopathy (PMID: 33449170, internal data). Truncating variants in this region have also been identified in individuals affected with autosomal dominant dilated cardiomyopathy and/or cardio-related conditions (PMID: 27869827, 32964742, internal data). For these reasons, this variant has been classified as Pathogenic.

Variantyx, Inc.
Classification: Likely pathogenic for Dilated cardiomyopathy 1G. Last evaluated: 2025-12-19. Review status: criteria provided, single submitter. Criteria: Variantyx Assertion Criteria 2022. Collection method: clinical testing. Allele origin: germline. Inheritance: Autosomal dominant inheritance. Affected: yes.
Comment: This is a frameshift variant in the TTN gene (OMIM: 188840). Pathogenic variants in this gene have been associated with autosomal dominant dilated cardiomyopathy 1G. This variant introduces a premature termination codon in exon 27 out of 363 and is expected to result in loss of function, which is a known disease mechanism for TTN in this disorder (PMID: 27869827, 33226272) (PVS1). It has been reported in the heterozygous state in at least three affected individuals (PMID: 25589632, 31112426,34540771). In addition, and in the compound heterozygous state in at least one affected individual (PMID:33449170). This variant has a 0.0034% maximum allele frequency in non-founder control populations (PM2). Based on the current evidence, this variant is classified as likely pathogenic for autosomal dominant dilated cardiomyopathy 1G.

Victorian Clinical Genetics Services, Murdoch Childrens Research Institute
Classification: Likely pathogenic for Dilated cardiomyopathy 1G. Last evaluated: 2025-12-10. Review status: criteria provided, single submitter. Criteria: ACMG Guidelines, 2015. Collection method: clinical testing. Allele origin: germline. Affected: yes.
Comment: This variant is classified as Likely pathogenic. Evidence in support of pathogenic classification: Variant is predicted to cause nonsense-mediated decay (NMD) and loss of protein (premature termination codon is located at least 54 nucleotides upstream of the final exon-exon junction); Variant is present in gnomAD <0.01 (v4: 42 heterozygote(s), 0 homozygote(s)); This variant has strong previous evidence of pathogenicity in unrelated individuals. This variant has been classified more commonly as likely pathogenic and pathogenic, and once as a VUS, by multiple clinical laboratories in ClinVar. Additionally, it has been reported as heterozygous in multiple individuals with dilated cardiomyopathy (DCM) or atrial fibrillation (PMID: 25589632, PMID: 30535219, PMID: 31112426), and as compound heterozygous in siblings with centronuclear myopathy (PMID: 33449170); Other NMD-predicted variants comparable to the one identified in this case have strong previous evidence for pathogenicity (ClinVar). Additional information: This variant is heterozygous; This gene is associated with both recessive and dominant disease (OMIM); Variant is located near the annotated Z-band and the exon has a PSI score of 100% (PMID: 25589632); Loss of function is a known mechanism of disease in this gene. In addition, dominant negative is also a suggested mechanism (PMID: 25589632); The condition associated with this gene has incomplete penetrance. Variants in this gene that result in a premature termination codon (PTC) are known to have reduced penetrance in DCM (PMID: 25589632); Inheritance information for this variant is not currently available in this individual.

Women's Health and Genetics/Laboratory Corporation of America, LabCorp
Classification: Pathogenic for Autosomal recessive titinopathy. Last evaluated: 2025-10-10. Review status: criteria provided, single submitter. Criteria: LabCorp Variant Classification Summary - May 2015. Collection method: clinical testing. Allele origin: germline.
Comment: Variant summary: TTN c.4724_4728delTGAAA (p.Met1575SerfsX6) results in a premature termination codon, predicted to cause a truncation of the encoded protein or absence of the protein due to nonsense mediated decay, which are commonly known mechanisms for disease. Loss of function variants in all TTN bands are strongly associated with a spectrum of autosomal recessive titinopathies when exon expression (proportion spliced in, PSI, 1=complete expression) in skeletal muscle is >0.1 (PMID: 36977548, 39198997, 29598826, 32778822, 29691892, 33449170, 36977548, internal data). In contrast, loss of function variants in all TTN bands are only strongly associated with autosomal dominant TTN-related cardiomyopathies if located in exons constitutively expressed (PSI >0.9) in cardiac muscle, excluding extreme C-terminal exons 359-363 (PMID: 25589632, 31216868, 32964742, 34662387, 27869827, Shetty et al., Nat Cardiovasc Res 2024,, internal data). This variant has a maximum skeletal muscle PSI of 0.991 and a maximum cardiac muscle PSI of 1.0. The variant allele was found at a frequency of 8e-06 in 251014 control chromosomes. c.4724_4728delTGAAA has been observed in individual(s) affected with Autosomal Recessive Titinopathy and Dilated Cardiomyopathy (Rees_2021, Roberts_2015). These data indicate that the variant may be associated with disease. To our knowledge, no experimental evidence demonstrating an impact on protein function has been reported. The following publications have been ascertained in the context of this evaluation (PMID: 36977548, 33449170, 25589632). ClinVar contains an entry for this variant (Variation ID: 202501). Based on the evidence outlined above, the variant was classified as pathogenic.